The following is an entry in ClinVar:

ClinVar aggregate classification (germline): Uncertain significance. Review status: criteria provided, multiple submitters, no conflicts (2 of 4 stars). 3 submissions from 3 submitters: Uncertain significance (3). Last evaluated 2025-05-29.

Conditions:
Inborn genetic diseases. Identifiers: MedGen C0950123, MeSH D030342.
Combined oxidative phosphorylation defect type 8. Also called: CARDIOMYOPATHY, HYPERTROPHIC MITOCHONDRIAL, FATAL INFANTILE. Identifiers: Orphanet 319504, MedGen C4518839, MONDO:0013570, OMIM 614096.

Allele frequency attached by ClinVar (database versions not stated): TOPMed 0.00003; ExAC 0.00002; gnomAD 0.00002 and 0.00003; 1000 Genomes Project 30x 0.00016; gnomAD exomes 0.00003; 1000 Genomes Project 0.00020.
gnomAD v4.1: 62 of 1,614,098 alleles (0.0038%); highest among the groups gnomAD compares: East Asian, 0.029%; no homozygotes.

Submissions (3):

Ambry Genetics
Classification: Uncertain significance for Inborn genetic diseases. Last evaluated: 2025-05-29. Review status: criteria provided, single submitter. Criteria: Ambry Variant Classification Scheme 2023. Collection method: clinical testing. Allele origin: germline.

Labcorp Genetics (formerly Invitae), Labcorp
Classification: Uncertain significance. Last evaluated: 2022-08-17. Review status: criteria provided, single submitter. Criteria: Invitae Variant Classification Sherloc (09022015). Collection method: clinical testing. Allele origin: germline.
Comment: In summary, the available evidence is currently insufficient to determine the role of this variant in disease. Therefore, it has been classified as a Variant of Uncertain Significance. Advanced modeling of protein sequence and biophysical properties (such as structural, functional, and spatial information, amino acid conservation, physicochemical variation, residue mobility, and thermodynamic stability) performed at Invitae indicates that this missense variant is not expected to disrupt AARS2 protein function. ClinVar contains an entry for this variant (Variation ID: 911017). This variant has not been reported in the literature in individuals affected with AARS2-related conditions. This variant is present in population databases (rs536579476, gnomAD 0.01%). This sequence change replaces alanine, which is neutral and non-polar, with threonine, which is neutral and polar, at codon 741 of the AARS2 protein (p.Ala741Thr).

Illumina Laboratory Services, Illumina
Classification: Uncertain significance for Combined oxidative phosphorylation defect type 8. Last evaluated: 2018-01-12. Review status: criteria provided, single submitter. Criteria: ICSL Variant Classification Criteria 13 December 2019. Collection method: clinical testing. Allele origin: germline.

NM_020745.4(AARS2):c.2221G>A (p.Ala741Thr)

Gene: AARS2 (alanyl-tRNA synthetase 2, mitochondrial; minus strand). Cytogenetic location: 6p21.1.
Variant type: single nucleotide variant.
Coding change: c.2221G>A on transcript NM_020745.4 (MANE Select); coding-DNA position 2221, G replaced by A.
Protein change: p.Ala741Thr; replaces alanine 741 with threonine.
Molecular consequence: missense variant.
Genome position (GRCh38, 1-based): chr6:44,303,100, C>T on the plus strand (G>A on the coding strand, the complement: AARS2 is on the minus strand). VCF-style: chr6-44303100-C-T. GRCh37 (hg19) VCF-style: chr6-44270837-C-T.
Other names: c.2221G>A (NM_020745.2); short protein forms A741T.
Identifiers: ClinVar variation 911017 (VCV000911017.9), dbSNP rs536579476, ClinGen allele CA3834062.